The following is an entry in ClinVar:

NM_015272.5(RPGRIP1L):c.1606A>C (p.Lys536Gln)

Gene: RPGRIP1L (RPGRIP1 like; minus strand). Cytogenetic location: 16q12.2.
Variant type: single nucleotide variant.
Coding change: c.1606A>C on transcript NM_015272.5 (MANE Select); coding-DNA position 1606, A replaced by C.
Protein change: p.Lys536Gln; replaces lysine 536 with glutamine.
Molecular consequence: missense variant.
Genome position (GRCh38, 1-based): chr16:53,656,565, T>G on the plus strand (A>C on the coding strand, the complement: RPGRIP1L is on the minus strand). VCF-style: chr16-53656565-T-G. GRCh37 (hg19) VCF-style: chr16-53690477-T-G.
Other names: c.1606A>C, p.Lys536Gln (NM_001127897.4, NM_001308334.3, NM_001330538.2); short protein forms K536Q.
Identifiers: ClinVar variation 1986693 (VCV001986693.2), dbSNP rs763271989, ClinGen allele CA8057752.

ClinVar aggregate classification (germline): Uncertain significance. Review status: criteria provided, multiple submitters, no conflicts (2 of 4 stars). 2 submissions from 2 submitters: Uncertain significance (2). Last evaluated 2022-08-19.

Conditions:
Joubert syndrome. Also called: CEREBELLOPARENCHYMAL DISORDER IV; JOUBERT-BOLTSHAUSER SYNDROME; Familial aplasia of the vermis. Identifiers: Orphanet 475, MedGen C5979921, MONDO:0018772.
Meckel-Gruber syndrome. Also called: DYSENCEPHALIA SPLANCHNOCYSTICA; GRUBER SYNDROME; Dysencephalia splachnocystica. Identifiers: Orphanet 564, MedGen C0265215, MONDO:0018921.
Inborn genetic diseases. Identifiers: MedGen C0950123, MeSH D030342.

Allele frequency attached by ClinVar (database versions not stated): TOPMed below 0.00001; ExAC 0.00001; gnomAD 0.00001; gnomAD exomes 0.00001.
gnomAD v4.1: 22 of 1,613,382 alleles (0.0014%); highest among the groups gnomAD compares: Non-Finnish European, 0.0018%; no homozygotes.

Submissions (2):

Labcorp Genetics (formerly Invitae), Labcorp
Classification: Uncertain significance for Joubert syndrome; Meckel-Gruber syndrome. Last evaluated: 2022-08-19. Review status: criteria provided, single submitter. Criteria: Invitae Variant Classification Sherloc (09022015). Collection method: clinical testing. Allele origin: germline.
Comment: This sequence change replaces lysine, which is basic and polar, with glutamine, which is neutral and polar, at codon 536 of the RPGRIP1L protein (p.Lys536Gln). This variant is present in population databases (rs763271989, gnomAD 0.0009%). This variant has not been reported in the literature in individuals affected with RPGRIP1L-related conditions. Algorithms developed to predict the effect of missense changes on protein structure and function are either unavailable or do not agree on the potential impact of this missense change (SIFT: "Tolerated"; PolyPhen-2: "Possibly Damaging"; Align-GVGD: "Class C0"). In summary, the available evidence is currently insufficient to determine the role of this variant in disease. Therefore, it has been classified as a Variant of Uncertain Significance.

Ambry Genetics
Classification: Uncertain significance for Inborn genetic diseases. Last evaluated: 2022-01-21. Review status: criteria provided, single submitter. Criteria: Ambry Variant Classification Scheme 2023. Collection method: clinical testing. Allele origin: germline.